The following is an entry in ClinVar:

NM_000406.3(GNRHR):c.*2166G>A

Gene: GNRHR (gonadotropin releasing hormone receptor; minus strand). Cytogenetic location: 4q13.2.
Variant type: single nucleotide variant.
Coding change: c.*2166G>A on transcript NM_000406.3 (MANE Select); 2166 bases downstream of the stop codon, G replaced by A.
Molecular consequence: 3 prime UTR variant.
Genome position (GRCh38, 1-based): chr4:67,738,314, C>T on the plus strand (G>A on the coding strand, the complement: GNRHR is on the minus strand). VCF-style: chr4-67738314-C-T. GRCh37 (hg19) VCF-style: chr4-68604032-C-T.
Other names: c.*2275G>A (NM_001012763.2).
Identifiers: ClinVar variation 349423 (VCV000349423.5), dbSNP rs7666201, ClinGen allele CA10621529.

ClinVar aggregate classification (germline): Benign (1 of 4 stars; one submission).

Conditions:
Hypogonadotropic hypogonadism 7 with or without anosmia (HH7). Also called: HYPOGONADOTROPIC HYPOGONADISM 7 WITHOUT ANOSMIA; GNRHR-Related GnRH Deficiency. Identifiers: Orphanet 432, MedGen C0342384, MONDO:0007794, OMIM 146110.

Allele frequency attached by ClinVar (database versions not stated): 1000 Genomes Project 0.34924; 1000 Genomes Project 30x 0.35384; gnomAD 0.38836 and 0.39326; TOPMed 0.39219.

Submission:

Illumina Laboratory Services, Illumina
Classification: Benign for Hypogonadotropic hypogonadism 7 with or without anosmia. Last evaluated: 2018-01-13. Review status: criteria provided, single submitter. Criteria: ICSL Variant Classification Criteria 13 December 2019. Collection method: clinical testing. Allele origin: germline.
Comment: This variant was observed in the ICSL laboratory as part of a predisposition screen in an ostensibly healthy population. It had not been previously curated by ICSL or reported in the Human Gene Mutation Database (HGMD: prior to June 1st, 2018), and was therefore a candidate for classification through an automated scoring system. Utilizing variant allele frequency, disease prevalence and penetrance estimates, and inheritance mode, an automated score was calculated to assess if this variant is too frequent to cause the disease. Based on the score and internal cut-off values, a variant classified as benign is not then subjected to further curation. The score for this variant resulted in a classification of benign for this disease.